The following is an entry in ClinVar:

NM_001111.5(ADAR):c.1437G>T (p.Met479Ile)

Gene: ADAR (adenosine deaminase RNA specific; minus strand). Cytogenetic location: 1q21.3.
Variant type: single nucleotide variant.
Coding change: c.1437G>T on transcript NM_001111.5 (MANE Select); coding-DNA position 1437, G replaced by T.
Protein change: p.Met479Ile; replaces methionine 479 with isoleucine.
Molecular consequence: missense variant.
Genome position (GRCh38, 1-based): chr1:154,601,205, C>A on the plus strand (G>T on the coding strand, the complement: ADAR is on the minus strand). VCF-style: chr1-154601205-C-A. GRCh37 (hg19) VCF-style: chr1-154573681-C-A.
Other names: c.552G>T, p.Met184Ile (NM_001025107.3, NM_001193495.2, NM_001365046.1 and 3 more transcripts); c.1464G>T, p.Met488Ile (NM_001365045.1); c.1437G>T, p.Met479Ile (NM_015840.4, NM_015841.4); short protein forms M184I, M479I, M488I.
Identifiers: ClinVar variation 1051660 (VCV001051660.9), dbSNP rs2101638407, ClinGen allele CA342596340.

ClinVar aggregate classification (germline): Uncertain significance (1 of 4 stars; one submission).

Conditions:
Symmetrical dyschromatosis of extremities (DSH). Also called: Dyschromatosis symmetrica hereditaria; RETICULATE ACROPIGMENTATION OF DOHI; SYMMETRIC DYSCHROMATOSIS OF THE EXTREMITIES; DYSCHROMATOSIS SYMMETRICA HEREDITARIA 1. Identifiers: Orphanet 41, MedGen C0406775, MONDO:0007483, OMIM 127400.
Aicardi-Goutieres syndrome 6 (AGS6). Identifiers: Orphanet 51, MedGen C3539013, MONDO:0014007, OMIM 615010.

Submission:

Labcorp Genetics (formerly Invitae), Labcorp
Classification: Uncertain significance for Aicardi-Goutieres syndrome 6; Symmetrical dyschromatosis of extremities. Last evaluated: 2020-07-29. Review status: criteria provided, single submitter. Criteria: Invitae Variant Classification Sherloc (09022015). Collection method: clinical testing. Allele origin: germline.
Comment: In summary, the available evidence is currently insufficient to determine the role of this variant in disease. Therefore, it has been classified as a Variant of Uncertain Significance. Algorithms developed to predict the effect of missense changes on protein structure and function (SIFT, PolyPhen-2, Align-GVGD) all suggest that this variant is likely to be tolerated, but these predictions have not been confirmed by published functional studies and their clinical significance is uncertain. This variant has not been reported in the literature in individuals with ADAR-related conditions. This variant is not present in population databases (ExAC no frequency). This sequence change replaces methionine with isoleucine at codon 479 of the ADAR protein (p.Met479Ile). The methionine residue is moderately conserved and there is a small physicochemical difference between methionine and isoleucine.